The following is an entry in ClinVar:

ClinVar aggregate classification (germline): Likely benign. Review status: criteria provided, single submitter (1 of 4 stars). 2 submissions from 2 submitters: Likely benign (1). 1 of the submissions does not count toward it. Last evaluated 2025-10-14.

Conditions:
HSPG2-related disorder. Also called: HSPG2-related disorders; HSPG2-related condition.

Allele frequency attached by ClinVar (database versions not stated): ExAC 0.00006; gnomAD 0.00006; ESP Exome Variant Server 0.00008; TOPMed 0.00009; gnomAD exomes 0.00011.
gnomAD v4.1: 170 of 1,613,126 alleles (0.011%); highest among the groups gnomAD compares: Middle Eastern, 0.017%; no homozygotes.

Submissions (2):

Labcorp Genetics (formerly Invitae), Labcorp
Classification: Likely benign. Last evaluated: 2025-10-14. Review status: criteria provided, single submitter. Criteria: Invitae Variant Classification Sherloc (09022015). Collection method: clinical testing. Allele origin: germline.

PreventionGenetics, part of Exact Sciences
Classification: Likely benign for HSPG2-related condition. Last evaluated: 2019-03-29. Review status: no assertion criteria provided. Collection method: clinical testing. Allele origin: germline. Not counted in ClinVar's aggregate classification.
Comment: This variant is classified as likely benign based on ACMG/AMP sequence variant interpretation guidelines (Richards et al. 2015 PMID: 25741868, with internal and published modifications).

NM_005529.7(HSPG2):c.7434G>A (p.Pro2478=)

Gene: HSPG2 (heparan sulfate proteoglycan 2; minus strand). Cytogenetic location: 1p36.12.
Variant type: single nucleotide variant.
Coding change: c.7434G>A on transcript NM_005529.7 (MANE Select); coding-DNA position 7434, G replaced by A.
Protein change: p.Pro2478=; no amino-acid change (proline 2478 retained).
Molecular consequence: synonymous variant.
Genome position (GRCh38, 1-based): chr1:21,850,053, C>T on the plus strand (G>A on the coding strand, the complement: HSPG2 is on the minus strand). VCF-style: chr1-21850053-C-T. GRCh37 (hg19) VCF-style: chr1-22176546-C-T.
Other names: c.7437G>A, p.Pro2479= (NM_001291860.2); c.7434G>A (NM_005529.6).
Identifiers: ClinVar variation 2884782 (VCV002884782.5), dbSNP rs199624304, ClinGen allele CA671190.
Genomic context (GRCh38, chr1:21,850,053, plus strand): 5'-TACTGCAGCTACAGGGTCCTTCAGGCTTCCTGAGCTCCTGCCTCCTACCTGGTGCCGGGC[C>T]GGGAGGCTGCCCCCGCGCTTGTGCCACGTGACCTGGGCATGGGCCTGACCAGCAACGAGG-3'
Protein context (NP_005520.4, residues 2468-2488): VTWHKRGGSL[Pro2478=]ARHQVHGSRL